The following is an entry in ClinVar:

ClinVar aggregate classification (germline): Uncertain significance. Review status: criteria provided, multiple submitters, no conflicts (2 of 4 stars). 2 submissions from 2 submitters: Uncertain significance (2). Last evaluated 2025-06-19.

Allele frequency attached by ClinVar (database versions not stated): ExAC 0.00006; TOPMed below 0.00001; gnomAD 0.00003; gnomAD exomes 0.00002.
gnomAD v4.1: 39 of 1,613,330 alleles (0.0024%); highest among the groups gnomAD compares: South Asian, 0.029%; no homozygotes.

Submissions (2):

Dasa
Classification: Uncertain significance. Last evaluated: 2025-06-19. Review status: criteria provided, single submitter. Criteria: DASA Assertion Criteria. Collection method: clinical testing. Allele origin: germline.
Comment: NM_001267550.2(TTN):c.67820C>T (p.Thr22607Ile) is a missense variant that results in the substitution of threonine with isoleucine. This variant is rare in population databases. Computational prediction algorithms are consistent with a benign effect. The currently available literature and clinical evidence are not sufficient to establish a definitive association between this variant and the reported condition. Therefore, this variant is classified as a variant of uncertain significance.

Revvity Omics, Revvity
Classification: Uncertain significance. Last evaluated: 2023-08-02. Review status: criteria provided, single submitter. Criteria: ACMG Guidelines, 2015. Collection method: clinical testing. Allele origin: germline.

NM_001267550.2(TTN):c.67820C>T (p.Thr22607Ile)

Genes: TTN (titin; minus strand), TTN-AS1 (TTN antisense RNA 1; plus strand), LOC126806423 (CDK7 strongly-dependent group 2 enhancer GRCh37_chr2:179443309-179444508; plus strand). Cytogenetic location: 2q31.2.
Variant type: single nucleotide variant.
Coding change: c.67820C>T on transcript NM_001267550.2 (MANE Select); coding-DNA position 67820, C replaced by T.
Protein change: p.Thr22607Ile; replaces threonine 22607 with isoleucine.
Molecular consequence: missense variant.
Genome position (GRCh38, 1-based): chr2:178,579,210, G>A on the plus strand (C>T on the coding strand, the complement: TTN is on the minus strand). VCF-style: chr2-178579210-G-A. GRCh37 (hg19) VCF-style: chr2-179443937-G-A.
Other names: c.62897C>T, p.Thr20966Ile (NM_001256850.1); c.40625C>T, p.Thr13542Ile (NM_003319.4); c.60116C>T, p.Thr20039Ile (NM_133378.4); c.41000C>T, p.Thr13667Ile (NM_133432.3); c.41201C>T, p.Thr13734Ile (NM_133437.4); short protein forms T13542I, T13667I, T13734I, T20039I, T20966I, T22607I.
Identifiers: ClinVar variation 2690293 (VCV002690293.4), dbSNP rs771603862, ClinGen allele CA1991231.